The following is an entry in ClinVar:

NM_152594.3(SPRED1):c.207+1G>T

Gene: SPRED1 (sprouty related EVH1 domain containing 1; plus strand). Cytogenetic location: 15q14.
Variant type: single nucleotide variant.
Coding change: c.207+1G>T on transcript NM_152594.3 (MANE Select); the canonical splice donor site of the intron after coding-DNA position 207, G replaced by T.
Molecular consequence: splice donor variant.
Genome position (GRCh38, 1-based): chr15:38,299,548, G>T. VCF-style: chr15-38299548-G-T. GRCh37 (hg19) VCF-style: chr15-38591749-G-T.
Identifiers: ClinVar variation 1068067 (VCV001068067.9), dbSNP rs1595733611, ClinGen allele CA391934634.

ClinVar aggregate classification (germline): Pathogenic (1 of 4 stars; one submission).

Conditions:
Legius syndrome. Identifiers: Orphanet 137605, MedGen C1969623, MONDO:0012669, OMIM 611431. Disease mechanism: loss of function.

Submission:

Labcorp Genetics (formerly Invitae), Labcorp
Classification: Pathogenic for Legius syndrome. Last evaluated: 2025-01-06. Review status: criteria provided, single submitter. Criteria: Invitae Variant Classification Sherloc (09022015). Collection method: clinical testing. Allele origin: germline.
Comment: This sequence change affects a donor splice site in intron 2 of the SPRED1 gene. It is expected to disrupt RNA splicing. Variants that disrupt the donor or acceptor splice site typically lead to a loss of protein function (PMID: 16199547), and loss-of-function variants in SPRED1 are known to be pathogenic (PMID: 17704776). This variant is not present in population databases (gnomAD no frequency). Disruption of this splice site has been observed in individual(s) with clinical features of Legius syndrome (internal data). Invitae Evidence Modeling of clinical and family history, age, sex, and reported ancestry of multiple individuals with this SPRED1 variant has been performed. This variant is expected to be pathogenic with a positive predictive value of at least 99%. This is a validated machine learning model that incorporates the clinical features of 172,612 individuals referred to our laboratory for SPRED1 testing. ClinVar contains an entry for this variant (Variation ID: 1068067). Algorithms developed to predict the effect of sequence changes on RNA splicing suggest that this variant may disrupt the consensus splice site. For these reasons, this variant has been classified as Pathogenic.

Literature cited by the submitters: PubMed 16199547; PubMed 17704776.